The following is an entry in ClinVar:

NM_001009944.3(PKD1):c.5809del (p.Ser1937fs)

Gene: PKD1 (polycystin 1, transient receptor potential channel interacting; minus strand). Cytogenetic location: 16p13.3.
Variant type: Deletion.
Coding change: c.5809del on transcript NM_001009944.3 (MANE Select); coding-DNA position 5809, one base deleted (T; older notation c.5809delT).
Protein change: p.Ser1937fs; shifts the reading frame from serine 1937.
Molecular consequence: frameshift variant.
Genome position (GRCh38, 1-based): chr16:2,109,358, A deleted on the plus strand (T on the coding strand, the reverse complement: PKD1 is on the minus strand). VCF-style (leftmost placement, unchanged base first): chr16-2109357-GA-G. GRCh37 (hg19) VCF-style: chr16-2159358-GA-G.
Other names: c.5809del, p.Ser1937fs (NM_000296.4); short protein forms S1937fs.
Identifiers: ClinVar variation 488406 (VCV000488406.2), dbSNP rs1555454915, ClinGen allele CA658683905.

ClinVar aggregate classification (germline): Pathogenic (0 of 4 stars; one submission).

Conditions:
Polycystic kidney disease, adult type (PKD1). Also called: Polycystic Kidney Disease 1, Autosomal Dominant; Polycystic kidney disease 1; Polycystic kidney disease 1, severe; POLYCYSTIC KIDNEY DISEASE, ADULT, TYPE I; POLYCYSTIC KIDNEY DISEASE 1 WITH OR WITHOUT POLYCYSTIC LIVER DISEASE; Polycystic Kidney, Autosomal Dominant. Identifiers: MedGen C3149841, MONDO:0008263, OMIM 173900.

Submission:

Centre for Genetic Disorders, Banaras Hindu University
Classification: Pathogenic for Polycystic kidney disease, adult type. Last evaluated: 2017-12-30. Review status: no assertion criteria provided. Collection method: research. Allele origin: germline. Inheritance: Autosomal dominant inheritance. Affected: yes.
Comment: This variant was not present in 100 control individuals. This change is present in coding region and alters the translation frame. NM_001009944.2:c.5809delT(S1937Pfs*12) is a frameshift mutation leading to termination of protein synthesis at 1949 amino acid. Online tool MutationTaster predicts the variant to be disease causing.